The following is an entry in ClinVar:

ClinVar aggregate classification (germline): Likely benign (1 of 4 stars; one submission).

Submission:

CeGaT Center for Human Genetics Tuebingen
Classification: Likely benign. Last evaluated: 2026-03-01. Review status: criteria provided, single submitter. Criteria: CeGaT Center For Human Genetics Tuebingen Variant Classification Criteria Version 2. Collection method: clinical testing. Allele origin: germline. Affected: yes. Observed: 1 variant allele.
Comment: CTSF: PM2:Supporting, BP4, BP7

NM_003793.4(CTSF):c.81C>T (p.Ala27=)

Gene: CTSF (cathepsin F; minus strand). Cytogenetic location: 11q13.2.
Variant type: single nucleotide variant.
Coding change: c.81C>T on transcript NM_003793.4 (MANE Select); coding-DNA position 81, C replaced by T.
Protein change: p.Ala27=; no amino-acid change (alanine 27 retained).
Molecular consequence: synonymous variant.
Genome position (GRCh38, 1-based): chr11:66,568,406, G>A on the plus strand (C>T on the coding strand, the complement: CTSF is on the minus strand). VCF-style: chr11-66568406-G-A. GRCh37 (hg19) VCF-style: chr11-66335877-G-A.
Identifiers: ClinVar variation 4823732 (VCV004823732.4).